The following is an entry in ClinVar:

ClinVar aggregate classification (germline): Uncertain significance (1 of 4 stars; one submission).

Conditions:
Inborn genetic diseases. Identifiers: MedGen C0950123, MeSH D030342.

Allele frequency attached by ClinVar (database versions not stated): TOPMed below 0.00001.
gnomAD v4.1: 2 of 1,614,234 alleles (0.00012%); highest among the groups gnomAD compares: Non-Finnish European, 0.00017%; no homozygotes.

Submission:

Ambry Genetics
Classification: Uncertain significance for Inborn genetic diseases. Last evaluated: 2022-02-15. Review status: criteria provided, single submitter. Criteria: Ambry Variant Classification Scheme 2023. Collection method: clinical testing. Allele origin: germline.
Comment: The p.Q47L variant (also known as c.140A>T), located in coding exon 2 of the BUB1B gene, results from an A to T substitution at nucleotide position 140. The glutamine at codon 47 is replaced by leucine, an amino acid with dissimilar properties. This amino acid position is conserved. In addition, this alteration is predicted to be tolerated by in silico analysis. Since supporting evidence is limited at this time, the clinical significance of this alteration remains unclear.

NM_001211.6(BUB1B):c.140A>T (p.Gln47Leu)

Gene: BUB1B (BUB1 mitotic checkpoint serine/threonine kinase B; plus strand). Cytogenetic location: 15q15.1.
Variant type: single nucleotide variant.
Coding change: c.140A>T on transcript NM_001211.6 (MANE Select); coding-DNA position 140, A replaced by T.
Protein change: p.Gln47Leu; replaces glutamine 47 with leucine.
Molecular consequence: missense variant.
Genome position (GRCh38, 1-based): chr15:40,165,157, A>T. VCF-style: chr15-40165157-A-T. GRCh37 (hg19) VCF-style: chr15-40457358-A-T.
Other names: short protein forms Q47L.
Identifiers: ClinVar variation 1771979 (VCV001771979.2), dbSNP rs2037080856, ClinGen allele CA391677209.